The following is an entry in ClinVar:

NM_003124.5(SPR):c.78C>G (p.Leu26=)

Genes: SPR (sepiapterin reductase; plus strand), LOC129934069 (ATAC-STARR-seq lymphoblastoid silent region 11626; plus strand). Cytogenetic location: 2p13.2.
Variant type: single nucleotide variant.
Coding change: c.78C>G on transcript NM_003124.5 (MANE Select); coding-DNA position 78, C replaced by G.
Protein change: p.Leu26=; no amino-acid change (leucine 26 retained).
Molecular consequence: synonymous variant.
Genome position (GRCh38, 1-based): chr2:72,887,510, C>G. VCF-style: chr2-72887510-C-G. GRCh37 (hg19) VCF-style: chr2-73114639-C-G.
Other names: p.Leu26=.
Identifiers: ClinVar variation 703178 (VCV000703178.11), dbSNP rs1036407923, ClinGen allele CA49795465.
Genomic context (GRCh38, chr2:72,887,510, plus strand): 5'-GCGTGCTGTGTGCTTGCTGACCGGGGCCTCCCGCGGCTTCGGCCGGACGCTGGCCCCGCT[C>G]CTGGCCTCGCTGCTGTCGCCCGGCTCCGTGCTTGTCCTTAGCGCCCGCAACGACGAGGCA-3'
Protein context (NP_003115.1, residues 16-36): SRGFGRTLAP[Leu26=]LASLLSPGSV

ClinVar aggregate classification (germline): Likely benign. Review status: criteria provided, multiple submitters, no conflicts (2 of 4 stars). 2 submissions from 2 submitters: Likely benign (2). Last evaluated 2025-05-19.

Conditions:
Dystonic disorder. Also called: Dystonia. Identifiers: MedGen C0013421, MONDO:0003441, HP:0001332.

Allele frequency attached by ClinVar (database versions not stated): TOPMed 0.00002; gnomAD 0.00001; gnomAD exomes 0.00003.

Submissions (2):

Mayo Clinic Laboratories, Mayo Clinic
Classification: Likely benign. Last evaluated: 2025-05-19. Review status: criteria provided, single submitter. Criteria: ACMG Guidelines, 2015. Collection method: clinical testing. Allele origin: germline. Observed: 1 variant allele.
Comment: BP4, BP7

Labcorp Genetics (formerly Invitae), Labcorp
Classification: Likely benign for Dystonic disorder. Last evaluated: 2024-02-18. Review status: criteria provided, single submitter. Criteria: Invitae Variant Classification Sherloc (09022015). Collection method: clinical testing. Allele origin: germline.